The following is an entry in ClinVar:

NM_000096.4(CP):c.1613del (p.Met538fs)

Gene: CP (ceruloplasmin; minus strand). Cytogenetic location: 3q24.
Variant type: Deletion.
Coding change: c.1613del on transcript NM_000096.4 (MANE Select); coding-DNA position 1613, one base deleted (T; older notation c.1613delT).
Protein change: p.Met538fs; shifts the reading frame from methionine 538.
Molecular consequence: frameshift variant. On other transcripts: non-coding transcript variant (1).
Genome position (GRCh38, 1-based): chr3:149,198,467, A deleted on the plus strand (T on the coding strand, the reverse complement: CP is on the minus strand). VCF-style (leftmost placement, unchanged base first): chr3-149198466-CA-C. GRCh37 (hg19) VCF-style: chr3-148916253-CA-C.
Other names: c.1613del (NM_000096.3); short protein forms M538fs.
Identifiers: ClinVar variation 646713 (VCV000646713.8), dbSNP rs1576759850, ClinGen allele CA915941600.

ClinVar aggregate classification (germline): Pathogenic (1 of 4 stars; one submission).

Conditions:
Deficiency of ferroxidase (ACEP). Also called: Aceruloplasminemia; Deficiency of ceruloplasmin; NEURODEGENERATION WITH BRAIN IRON ACCUMULATION 10; Ceruloplasmin deficiency; Familial apoceruloplasmin deficiency; Hereditary ceruloplasmin deficiency. Identifiers: Orphanet 48818, MedGen C0878682, MONDO:0011426, OMIM 604290, HP:0025498.

Submission:

Labcorp Genetics (formerly Invitae), Labcorp
Classification: Pathogenic for Deficiency of ferroxidase. Last evaluated: 2019-01-29. Review status: criteria provided, single submitter. Criteria: Invitae Variant Classification Sherloc (09022015). Collection method: clinical testing. Allele origin: germline.
Comment: This sequence change creates a premature translational stop signal (p.Met538Serfs*20) in the CP gene. It is expected to result in an absent or disrupted protein product. This variant is not present in population databases (ExAC no frequency). This variant has not been reported in the literature in individuals with CP-related disease. Loss-of-function variants in CP are known to be pathogenic (PMID: 16629161). For these reasons, this variant has been classified as Pathogenic.

Literature cited by the submitters: PubMed 16629161.